The following is an entry in ClinVar:

NM_016284.5(CNOT1):c.496A>C (p.Ser166Arg)

Gene: CNOT1 (CCR4-NOT transcription complex subunit 1; minus strand). Cytogenetic location: 16q21.
Variant type: single nucleotide variant.
Coding change: c.496A>C on transcript NM_016284.5 (MANE Select); coding-DNA position 496, A replaced by C.
Protein change: p.Ser166Arg; replaces serine 166 with arginine.
Molecular consequence: missense variant. On other transcripts: non-coding transcript variant (1).
Genome position (GRCh38, 1-based): chr16:58,586,686, T>G on the plus strand (A>C on the coding strand, the complement: CNOT1 is on the minus strand). VCF-style: chr16-58586686-T-G. GRCh37 (hg19) VCF-style: chr16-58620590-T-G.
Other names: c.496A>C, p.Ser166Arg (NM_001265612.2, NM_206999.3); short protein forms S166R.
Identifiers: ClinVar variation 3765988 (VCV003765988.1).

ClinVar aggregate classification (germline): Uncertain significance (1 of 4 stars; one submission).

Submission:

GeneDx
Classification: Uncertain significance. Last evaluated: 2024-08-30. Review status: criteria provided, single submitter. Criteria: GeneDx Variant Classification Process June 2021. Collection method: clinical testing. Allele origin: germline. Affected: yes.
Comment: Not observed at significant frequency in large population cohorts (gnomAD); In silico analysis indicates that this missense variant does not alter protein structure/function; Has not been previously published as pathogenic or benign to our knowledge